The following is an entry in ClinVar:

ClinVar aggregate classification (germline): Pathogenic/Likely pathogenic. Review status: criteria provided, multiple submitters, no conflicts (2 of 4 stars). 5 submissions from 5 submitters: Pathogenic (3); Likely pathogenic (2). Last evaluated 2025-11-10.

Conditions:
FH-related disorder. Also called: FH-related condition; FH-related disorders.
Hereditary cancer-predisposing syndrome. Also called: Neoplastic Syndromes, Hereditary; Hereditary Cancer Syndrome; Hereditary neoplastic syndrome; Tumor predisposition. Identifiers: Orphanet 140162, MedGen C0027672, MeSH D009386, MONDO:0015356.
Fumarase deficiency (FMRD). Also called: Fumarate Hydratase Deficiency; Fumaric aciduria. Identifiers: Orphanet 24, MedGen C0342770, MONDO:0011730, OMIM 606812.

Allele frequency attached by ClinVar (database versions not stated): gnomAD 0.00001.

Submissions (5):

Ambry Genetics
Classification: Likely pathogenic for Hereditary cancer-predisposing syndrome. Last evaluated: 2025-11-10. Review status: criteria provided, single submitter. Criteria: Ambry Variant Classification Scheme 2023. Collection method: clinical testing. Allele origin: germline.
Comment: The p.M195V variant (also known as c.583A>G), located in coding exon 5 of the FH gene, results from an A to G substitution at nucleotide position 583. The methionine at codon 195 is replaced by valine, an amino acid with highly similar properties. This alteration has been observed in at least one individual with a personal and/or family history that is consistent with FH-related disease (Ambry internal data; Tolvanen J et al. Hum Reprod, 2012 Jun;27:1865-9). This amino acid position is highly conserved in available vertebrate species. In addition, this alteration is predicted to be deleterious by in silico analysis. This variant is considered to be rare based on population cohorts in the Genome Aggregation Database (gnomAD). Based on the majority of available evidence to date, this variant is likely to be pathogenic.

Women's Health and Genetics/Laboratory Corporation of America, LabCorp
Classification: Pathogenic for Fumarase deficiency. Last evaluated: 2024-10-23. Review status: criteria provided, single submitter. Criteria: LabCorp Variant Classification Summary - May 2015. Collection method: clinical testing. Allele origin: germline.
Comment: Variant summary: FH c.583A>G (p.Met195Val) results in a conservative amino acid change located in the Fumarate lyase, N-terminal domain (IPR022761) of the encoded protein sequence. Three of five in-silico tools predict a damaging effect of the variant on protein function. The variant was absent in 251098 control chromosomes. c.583A>G has been reported in the literature in five heterozygous individuals in a single family affected with Leiomyomatosis (Tolvanen_2012). These data indicate that the variant is likely to be associated with disease. A different variant affecting the same codon has been classified as pathogenic by our lab (c.584T>C, p.Met195Thr), supporting the critical relevance of codon 195 to FH protein function. To our knowledge, no experimental evidence demonstrating an impact on protein function has been reported. The following publication have been ascertained in the context of this evaluation (PMID: 22473397). ClinVar contains an entry for this variant (Variation ID: 460368). Based on the evidence outlined above, the variant was classified as pathogenic.

Quest Diagnostics Nichols Institute San Juan Capistrano
Classification: Likely pathogenic. Last evaluated: 2022-10-18. Review status: criteria provided, single submitter. Criteria: Quest Diagnostics criteria. Collection method: clinical testing. Allele origin: unknown.
Comment: This variant has not been reported in large, multi-ethnic general populations. In the published literature, the variant has been reported in affected individuals with uterine leiomyomas (PMIDs: 22473397 (2012), 25964426 (2015), and 34480341 (2021)). Analysis of this variant using bioinformatics tools for the prediction of the effect of amino acid changes on protein structure and function yielded predictions that this variant is damaging. Based on the available information, this variant is classified as likely pathogenic.

Labcorp Genetics (formerly Invitae), Labcorp
Classification: Pathogenic. Last evaluated: 2022-06-13. Review status: criteria provided, single submitter. Criteria: Invitae Variant Classification Sherloc (09022015). Collection method: clinical testing. Allele origin: germline.
Comment: This variant is not present in population databases (gnomAD no frequency). This sequence change replaces methionine, which is neutral and non-polar, with valine, which is neutral and non-polar, at codon 195 of the FH protein (p.Met195Val). This missense change has been observed in individual(s) with clinical features of hereditary leiomyomatosis and renal cell cancer (PMID: 22473397; Invitae). It has also been observed to segregate with disease in related individuals. For these reasons, this variant has been classified as Pathogenic. This variant disrupts the p.Met195 amino acid residue in FH. Other variant(s) that disrupt this residue have been determined to be pathogenic (PMID: 12772087, 22764886; Invitae). This suggests that this residue is clinically significant, and that variants that disrupt this residue are likely to be disease-causing. Algorithms developed to predict the effect of sequence changes on RNA splicing suggest that this variant may create or strengthen a splice site. Advanced modeling of protein sequence and biophysical properties (such as structural, functional, and spatial information, amino acid conservation, physicochemical variation, residue mobility, and thermodynamic stability) performed at Invitae indicates that this missense variant is expected to disrupt FH protein function. ClinVar contains an entry for this variant (Variation ID: 460368).

Blueprint Genetics
Classification: Pathogenic for FH-related disorders. Last evaluated: 2020-12-29. Review status: criteria provided, single submitter. Criteria: ACMG Guidelines, 2015. Collection method: clinical testing. Allele origin: germline. Affected: yes. Observed: 4 variant alleles.

Literature cited by the submitters: PubMed 22473397 (cited by 4 submitters); PubMed 34480341 (cited by Quest Diagnostics Nichols Institute San Juan Capistrano); PubMed 25964426 (cited by Quest Diagnostics Nichols Institute San Juan Capistrano); PubMed 12772087 (cited by Labcorp Genetics (formerly Invitae), Labcorp); PubMed 22764886 (cited by Labcorp Genetics (formerly Invitae), Labcorp).

NM_000143.4(FH):c.583A>G (p.Met195Val)

Gene: FH (fumarate hydratase; minus strand). Cytogenetic location: 1q43.
Variant type: single nucleotide variant.
Coding change: c.583A>G on transcript NM_000143.4 (MANE Select); coding-DNA position 583, A replaced by G.
Protein change: p.Met195Val; replaces methionine 195 with valine.
Molecular consequence: missense variant.
Genome position (GRCh38, 1-based): chr1:241,508,758, T>C on the plus strand (A>G on the coding strand, the complement: FH is on the minus strand). VCF-style: chr1-241508758-T-C. GRCh37 (hg19) VCF-style: chr1-241672058-T-C.
Other names: short protein forms M195V.
Identifiers: ClinVar variation 460368 (VCV000460368.17), dbSNP rs1553341364, ClinGen allele CA345439454.